The following is an entry in ClinVar:

NM_000553.6(WRN):c.1350+6T>A

Gene: WRN (WRN RecQ like helicase; plus strand). Cytogenetic location: 8p12.
Variant type: single nucleotide variant.
Coding change: c.1350+6T>A on transcript NM_000553.6 (MANE Select); 6 bases into the intron after coding-DNA position 1350, T replaced by A.
Molecular consequence: intron variant.
Genome position (GRCh38, 1-based): chr8:31,083,785, T>A. VCF-style: chr8-31083785-T-A. GRCh37 (hg19) VCF-style: chr8-30941301-T-A.
Identifiers: ClinVar variation 912234 (VCV000912234.7), dbSNP rs1585431454, ClinGen allele CA1139660415.

ClinVar aggregate classification (germline): Uncertain significance. Review status: criteria provided, multiple submitters, no conflicts (2 of 4 stars). 2 submissions from 2 submitters: Uncertain significance (2). Last evaluated 2022-11-04.

Conditions:
Werner syndrome (WRN). Identifiers: Orphanet 902, MedGen C0043119, MONDO:0010196, OMIM 277700.

Allele frequency attached by ClinVar (database versions not stated): TOPMed below 0.00001.

Submissions (2):

Labcorp Genetics (formerly Invitae), Labcorp
Classification: Uncertain significance for Werner syndrome. Last evaluated: 2022-11-04. Review status: criteria provided, single submitter. Criteria: Invitae Variant Classification Sherloc (09022015). Collection method: clinical testing. Allele origin: germline.
Comment: This sequence change falls in intron 10 of the WRN gene. It does not directly change the encoded amino acid sequence of the WRN protein. It affects a nucleotide within the consensus splice site. This variant is not present in population databases (gnomAD no frequency). This variant has not been reported in the literature in individuals affected with WRN-related conditions. ClinVar contains an entry for this variant (Variation ID: 912234). Variants that disrupt the consensus splice site are a relatively common cause of aberrant splicing (PMID: 17576681, 9536098). Algorithms developed to predict the effect of sequence changes on RNA splicing suggest that this variant is not likely to affect RNA splicing. In summary, the available evidence is currently insufficient to determine the role of this variant in disease. Therefore, it has been classified as a Variant of Uncertain Significance.

Illumina Laboratory Services, Illumina
Classification: Uncertain significance for Werner syndrome. Last evaluated: 2018-01-13. Review status: criteria provided, single submitter. Criteria: ICSL Variant Classification Criteria 13 December 2019. Collection method: clinical testing. Allele origin: germline.

Literature cited by the submitters: PubMed 17576681 (cited by Labcorp Genetics (formerly Invitae), Labcorp); PubMed 9536098 (cited by Labcorp Genetics (formerly Invitae), Labcorp).